The following is an entry in ClinVar:

ClinVar aggregate classification (germline): Uncertain significance. Review status: criteria provided, multiple submitters, no conflicts (2 of 4 stars). 2 submissions from 2 submitters: Uncertain significance (2). Last evaluated 2024-05-16.

Conditions:
Primary ciliary dyskinesia. Also called: Ciliary dyskinesia. Identifiers: Orphanet 244, MedGen C0008780, MONDO:0016575, HP:0012265.

Allele frequency attached by ClinVar (database versions not stated): gnomAD 0.00001 and 0.00003; TOPMed 0.00003; gnomAD exomes 0.00006 and 0.00012; ExAC 0.00012.
gnomAD v4.1: 97 of 1,612,666 alleles (0.006%); highest among the groups gnomAD compares: South Asian, 0.045%; no homozygotes.

Submissions (2):

Molecular Genetics McLendon Clinical Laboratories, University of North Carolina at Chapel Hill
Classification: Uncertain significance for Primary ciliary dyskinesia. Last evaluated: 2024-05-16. Review status: criteria provided, single submitter. Criteria: ACMG Guidelines, 2015. Collection method: clinical testing. Allele origin: germline.

Labcorp Genetics (formerly Invitae), Labcorp
Classification: Uncertain significance for Primary ciliary dyskinesia. Last evaluated: 2021-09-30. Review status: criteria provided, single submitter. Criteria: Invitae Variant Classification Sherloc (09022015). Collection method: clinical testing. Allele origin: germline.
Comment: This sequence change replaces threonine with isoleucine at codon 212 of the RSPH1 protein (p.Thr212Ile). The threonine residue is weakly conserved and there is a moderate physicochemical difference between threonine and isoleucine. This variant is present in population databases (rs771875847, ExAC 0.07%). This variant has not been reported in the literature in individuals affected with RSPH1-related conditions. Algorithms developed to predict the effect of missense changes on protein structure and function output the following: SIFT: "Tolerated"; PolyPhen-2: "Benign"; Align-GVGD: "Class C0". The isoleucine amino acid residue is found in multiple mammalian species, which suggests that this missense change does not adversely affect protein function. In summary, the available evidence is currently insufficient to determine the role of this variant in disease. Therefore, it has been classified as a Variant of Uncertain Significance.

NM_080860.4(RSPH1):c.635C>T (p.Thr212Ile)

Gene: RSPH1 (radial spoke head component 1; minus strand). Cytogenetic location: 21q22.3.
Variant type: single nucleotide variant.
Coding change: c.635C>T on transcript NM_080860.4 (MANE Select); coding-DNA position 635, C replaced by T.
Protein change: p.Thr212Ile; replaces threonine 212 with isoleucine.
Molecular consequence: missense variant.
Genome position (GRCh38, 1-based): chr21:42,477,383, G>A on the plus strand (C>T on the coding strand, the complement: RSPH1 is on the minus strand). VCF-style: chr21-42477383-G-A. GRCh37 (hg19) VCF-style: chr21-43897493-G-A.
Other names: c.521C>T, p.Thr174Ile (NM_001286506.2); c.635C>T (NM_080860.3); short protein forms T174I, T212I.
Identifiers: ClinVar variation 1035319 (VCV001035319.5), dbSNP rs771875847, ClinGen allele CA10043859.